The following is an entry in ClinVar:

ClinVar aggregate classification (germline): Uncertain significance (1 of 4 stars; one submission).

Conditions:
Developmental and epileptic encephalopathy, 36 (DEE36). Also called: Congenital disorder of glycosylation, type Is; ALG13-CDG; Epileptic encephalopathy, early infantile, 36. Identifiers: Orphanet 324422, MedGen C4317295, MONDO:0010472, OMIM 300884.

gnomAD v4.1: 4 of 1,181,483 alleles (0.00034%); highest among the groups gnomAD compares: African/African-American, 0.0052%; no homozygotes.

Submission:

Labcorp Genetics (formerly Invitae), Labcorp
Classification: Uncertain significance for Developmental and epileptic encephalopathy, 36. Last evaluated: 2020-10-29. Review status: criteria provided, single submitter. Criteria: Invitae Variant Classification Sherloc (09022015). Collection method: clinical testing. Allele origin: germline.
Comment: Algorithms developed to predict the effect of missense changes on protein structure and function output the following: SIFT: "Tolerated"; PolyPhen-2: "Benign"; Align-GVGD: "Class C0". The serine amino acid residue is found in multiple mammalian species, suggesting that this missense change does not adversely affect protein function. These predictions have not been confirmed by published functional studies and their clinical significance is uncertain. In summary, the available evidence is currently insufficient to determine the role of this variant in disease. Therefore, it has been classified as a Variant of Uncertain Significance. Algorithms developed to predict the effect of sequence changes on RNA splicing suggest that this variant may create or strengthen a splice site, but this prediction has not been confirmed by published transcriptional studies. This variant has not been reported in the literature in individuals with ALG13-related conditions. This variant is not present in population databases (ExAC no frequency). This sequence change replaces asparagine with serine at codon 839 of the ALG13 protein (p.Asn839Ser). The asparagine residue is weakly conserved and there is a small physicochemical difference between asparagine and serine.

NM_001099922.3(ALG13):c.2516A>G (p.Asn839Ser)

Gene: ALG13 (ALG13 UDP-N-acetylglucosaminyltransferase subunit; plus strand). Cytogenetic location: Xq23.
Variant type: single nucleotide variant.
Coding change: c.2516A>G on transcript NM_001099922.3 (MANE Select); coding-DNA position 2516, A replaced by G.
Protein change: p.Asn839Ser; replaces asparagine 839 with serine.
Molecular consequence: missense variant. On other transcripts: non-coding transcript variant (1).
Genome position (GRCh38, 1-based): chrX:111,735,109, A>G. VCF-style: chrX-111735109-A-G. GRCh37 (hg19) VCF-style: chrX-110978337-A-G.
Other names: c.2204A>G, p.Asn735Ser (NM_001257230.2, NM_001257234.2, NM_001257237.2); c.2282A>G, p.Asn761Ser (NM_001257231.2); c.2516A>G, p.Asn839Ser (NM_001324292.2); c.2030A>G, p.Asn677Ser (NM_001324293.1); short protein forms N677S, N735S, N761S, N839S.
Identifiers: ClinVar variation 1001293 (VCV001001293.9), dbSNP rs1943109281, ClinGen allele CA414254249.